The following is an entry in ClinVar:

ClinVar aggregate classification (germline): Pathogenic (1 of 4 stars; one submission).

Submission:

Athena Diagnostics
Classification: Pathogenic. Last evaluated: 2020-09-21. Review status: criteria provided, single submitter. Criteria: Athena Diagnostics criteria. Collection method: clinical testing. Allele origin: unknown.
Comment: This variant has not been reported in large, multi-ethnic general populations. In some published literature, this variant is referred to as c.1033_1034GC>TG. This variant has been identified in at least one individual with clinical features associated with this gene. This variant alters a critical location within the protein, and is expected to severely affect function and cause disease. Greater than 90% of NOTCH3 pathogenic mutations associated with CADASIL involve the gain or loss of a cysteine residue within the epidermal growth factor (EGF)-like repeat domain (PMID: 32457593, 20301673).

Literature cited by the submitters: PubMed 15364702; PubMed 16009764; PubMed 23025651.

NM_000435.3(NOTCH3):c.955_956delinsTG (p.Ala319Cys)

Gene: NOTCH3 (notch receptor 3; minus strand). Cytogenetic location: 19p13.12.
Variant type: Indel.
Coding change: c.955_956delinsTG on transcript NM_000435.3 (MANE Select); coding-DNA positions 955 to 956, GC replaced by TG.
Protein change: p.Ala319Cys; replaces alanine 319 with cysteine.
Molecular consequence: missense variant.
Genome position (GRCh38, 1-based): chr19:15,191,504-15,191,505, GC replaced by CA on the plus strand (GC replaced by TG on the coding strand, the reverse complement: NOTCH3 is on the minus strand). VCF-style: chr19-15191504-GC-CA. GRCh37 (hg19) VCF-style: chr19-15302315-GC-CA.
Other names: short protein forms A319C.
Identifiers: ClinVar variation 1256542 (VCV001256542.1), dbSNP rs2145439810, ClinGen allele CA2499225413.